The following is an entry in ClinVar:

ClinVar aggregate classification (germline): Pathogenic/Likely pathogenic. Review status: criteria provided, multiple submitters, no conflicts (2 of 4 stars). 3 submissions from 3 submitters: Pathogenic (2); Likely pathogenic (1). Last evaluated 2024-01-03.

Conditions:
Fanconi anemia complementation group O. Also called: RAD51C-Related Fanconi Anemia. Identifiers: Orphanet 84, MedGen C3150653, MONDO:0013248, OMIM 613390.
Breast-ovarian cancer, familial, susceptibility to, 3. Also called: RAD51C-Related Breast/Ovarian Cancer. Identifiers: Orphanet 145, MedGen C3150659, MONDO:0013253, OMIM 613399.

Submissions (3):

Myriad Genetics, Inc.
Classification: Pathogenic for Breast-ovarian cancer, familial, susceptibility to, 3. Last evaluated: 2024-01-03. Review status: criteria provided, single submitter. Criteria: Myriad Autosomal Dominant, Autosomal Recessive and X-Linked Classification Criteria (2023). Collection method: clinical testing. Allele origin: unknown.
Comment: This variant is considered pathogenic. This variant creates a frameshift predicted to result in premature protein truncation.

Labcorp Genetics (formerly Invitae), Labcorp
Classification: Pathogenic for Fanconi anemia complementation group O. Last evaluated: 2023-10-16. Review status: criteria provided, single submitter. Criteria: Invitae Variant Classification Sherloc (09022015). Collection method: clinical testing. Allele origin: germline.
Comment: This sequence change creates a premature translational stop signal (p.Thr287Lysfs*15) in the RAD51C gene. It is expected to result in an absent or disrupted protein product. Loss-of-function variants in RAD51C are known to be pathogenic (PMID: 20400964, 21990120, 24800917, 29278735). This variant is not present in population databases (gnomAD no frequency). This variant has not been reported in the literature in individuals affected with RAD51C-related conditions. ClinVar contains an entry for this variant (Variation ID: 1411600). For these reasons, this variant has been classified as Pathogenic.

Baylor Genetics
Classification: Likely pathogenic for Breast-ovarian cancer, familial, susceptibility to, 3. Last evaluated: 2023-02-02. Review status: criteria provided, single submitter. Criteria: ACMG Guidelines, 2015. Collection method: clinical testing. Allele origin: unknown.

Literature cited by the submitters: PubMed 20400964 (cited by Labcorp Genetics (formerly Invitae), Labcorp); PubMed 21990120 (cited by Labcorp Genetics (formerly Invitae), Labcorp); PubMed 24800917 (cited by Labcorp Genetics (formerly Invitae), Labcorp); PubMed 29278735 (cited by Labcorp Genetics (formerly Invitae), Labcorp).

NM_058216.3(RAD51C):c.860del (p.Thr287fs)

Gene: RAD51C (RAD51 paralog C; plus strand). Cytogenetic location: 17q22.
Variant type: Deletion.
Coding change: c.860del on transcript NM_058216.3 (MANE Select); coding-DNA position 860, one base deleted (C; older notation c.860delC).
Protein change: p.Thr287fs; shifts the reading frame from threonine 287.
Molecular consequence: frameshift variant. On other transcripts: non-coding transcript variant (1).
Genome position (GRCh38, 1-based): chr17:58,720,768, C deleted. VCF-style (leftmost placement, unchanged base first): chr17-58720767-AC-A. GRCh37 (hg19) VCF-style: chr17-56798128-AC-A.
Other names: short protein forms T287fs.
Identifiers: ClinVar variation 1411600 (VCV001411600.8), dbSNP rs2143930383, ClinGen allele CA2573154152.